The following is an entry in ClinVar:

ClinVar aggregate classification (germline): Uncertain significance (1 of 4 stars; one submission).

Conditions:
Dyskeratosis congenita, autosomal dominant 6 (DKCA6). Identifiers: Orphanet 3322, MedGen C4225284, MONDO:0014690, OMIM 616553.

Allele frequency attached by ClinVar (database versions not stated): gnomAD exomes below 0.00001.
gnomAD v4.1: 1 of 1,605,870 alleles (0.000062%); highest among the groups gnomAD compares: South Asian, 0.0011%; no homozygotes.

Submission:

Labcorp Genetics (formerly Invitae), Labcorp
Classification: Uncertain significance for Dyskeratosis congenita, autosomal dominant 6. Last evaluated: 2022-11-01. Review status: criteria provided, single submitter. Criteria: Invitae Variant Classification Sherloc (09022015). Collection method: clinical testing. Allele origin: germline.
Comment: Algorithms developed to predict the effect of sequence changes on RNA splicing suggest that this variant may disrupt the consensus splice site. In summary, the available evidence is currently insufficient to determine the role of this variant in disease. Therefore, it has been classified as a Variant of Uncertain Significance. This variant has not been reported in the literature in individuals affected with ACD-related conditions. This variant is not present in population databases (gnomAD no frequency). This sequence change falls in intron 7 of the ACD gene. It does not directly change the encoded amino acid sequence of the ACD protein.

NM_001082486.2(ACD):c.646-20A>G

Gene: ACD (ACD shelterin complex subunit and telomerase recruitment factor; minus strand). Cytogenetic location: 16q22.1.
Variant type: single nucleotide variant.
Coding change: c.646-20A>G on transcript NM_001082486.2 (MANE Select); 20 bases into the intron before coding-DNA position 646, A replaced by G.
Molecular consequence: intron variant.
Genome position (GRCh38, 1-based): chr16:67,658,836, T>C on the plus strand (A>G on the coding strand, the complement: ACD is on the minus strand). VCF-style: chr16-67658836-T-C. GRCh37 (hg19) VCF-style: chr16-67692739-T-C.
Other names: c.637-20A>G (NM_022914.3); c.646-20A>G (NM_001410884.1).
Identifiers: ClinVar variation 2791375 (VCV002791375.3), dbSNP rs2543602713, ClinGen allele CA2633811307.